The following is an entry in ClinVar:

ClinVar aggregate classification (germline): Benign. Review status: criteria provided, multiple submitters, no conflicts (2 of 4 stars). 2 submissions from 2 submitters: Benign (2). Last evaluated 2018-01-12.

Conditions:
Spermatogenic failure 4. Also called: AZOOSPERMIA WITH MATURATION ARREST; PREGNANCY LOSS 4. Identifiers: MedGen C0232981, MONDO:0010052, OMIM 270960.

Allele frequency attached by ClinVar (database versions not stated): 1000 Genomes Project 0.01837; gnomAD 0.01977 and 0.01983; 1000 Genomes Project 30x 0.02014; gnomAD exomes 0.02117; TOPMed 0.02603.
gnomAD v4.1: 13,588 of 649,690 alleles (2.1%); highest among the groups gnomAD compares: Admixed American, 8%; 247 homozygotes.

Submissions (2):

Illumina Laboratory Services, Illumina
Classification: Benign for Spermatogenic failure 4. Last evaluated: 2018-01-12. Review status: criteria provided, single submitter. Criteria: ICSL Variant Classification Criteria 13 December 2019. Collection method: clinical testing. Allele origin: germline.
Comment: This variant was observed in the ICSL laboratory as part of a predisposition screen in an ostensibly healthy population. It had not been previously curated by ICSL or reported in the Human Gene Mutation Database (HGMD: prior to June 1st, 2018), and was therefore a candidate for classification through an automated scoring system. Utilizing variant allele frequency, disease prevalence and penetrance estimates, and inheritance mode, an automated score was calculated to assess if this variant is too frequent to cause the disease. Based on the score and internal cut-off values, a variant classified as benign is not then subjected to further curation. The score for this variant resulted in a classification of benign for this disease.

Breakthrough Genomics
Classification: Benign. Review status: criteria provided, single submitter. Criteria: ACMG Guidelines, 2015. Collection method: not provided. Allele origin: germline. Inheritance: Autosomal dominant inheritance. Affected: yes.

NM_001177949.2(SYCP3):c.*205G>A

Genes: CHPT1 (choline phosphotransferase 1; plus strand), SYCP3 (synaptonemal complex protein 3; minus strand). Cytogenetic location: 12q23.2.
Variant type: single nucleotide variant.
Coding change: c.*205G>A on transcript NM_001177949.2 (MANE Select); 205 bases downstream of the stop codon, G replaced by A.
Molecular consequence: 3 prime UTR variant. On other transcripts: intron variant (1).
Genome position (GRCh38, 1-based): chr12:101,728,722, C>T on the plus strand (G>A on the coding strand, the complement: SYCP3 is on the minus strand). VCF-style: chr12-101728722-C-T. GRCh37 (hg19) VCF-style: chr12-102122500-C-T.
Other names: c.*205G>A (NM_001177948.2, NM_153694.5); c.1177-179C>T (NM_020244.3).
Identifiers: ClinVar variation 306759 (VCV000306759.6), dbSNP rs17723833, ClinGen allele CA10631867.